The following is an entry in ClinVar:

ClinVar aggregate classification (germline): Benign (1 of 4 stars; one submission).

Conditions:
Holoprosencephaly 11 (HPE11). Identifiers: Orphanet 2162, MedGen C3280215, MONDO:0013642, OMIM 614226.

Allele frequency attached by ClinVar (database versions not stated): 1000 Genomes Project 0.00978; TOPMed 0.00154; gnomAD 0.00202; 1000 Genomes Project 30x 0.00828.

Submission:

Illumina Laboratory Services, Illumina
Classification: Benign for Holoprosencephaly 11. Last evaluated: 2018-01-12. Review status: criteria provided, single submitter. Criteria: ICSL Variant Classification Criteria 13 December 2019. Collection method: clinical testing. Allele origin: germline.
Comment: This variant was observed in the ICSL laboratory as part of a predisposition screen in an ostensibly healthy population. It had not been previously curated by ICSL or reported in the Human Gene Mutation Database (HGMD: prior to June 1st, 2018), and was therefore a candidate for classification through an automated scoring system. Utilizing variant allele frequency, disease prevalence and penetrance estimates, and inheritance mode, an automated score was calculated to assess if this variant is too frequent to cause the disease. Based on the score and internal cut-off values, a variant classified as benign is not then subjected to further curation. The score for this variant resulted in a classification of benign for this disease.

NM_001378964.1(CDON):c.*916G>A

Gene: CDON (cell adhesion associated, oncogene regulated; minus strand). Cytogenetic location: 11q24.2.
Variant type: single nucleotide variant.
Coding change: c.*916G>A on transcript NM_001378964.1 (MANE Select); 916 bases downstream of the stop codon, G replaced by A.
Molecular consequence: 3 prime UTR variant.
Genome position (GRCh38, 1-based): chr11:125,960,026, C>T on the plus strand (G>A on the coding strand, the complement: CDON is on the minus strand). VCF-style: chr11-125960026-C-T. GRCh37 (hg19) VCF-style: chr11-125829921-C-T.
Other names: c.*916G>A (NM_001243597.3, NM_016952.6).
Identifiers: ClinVar variation 303474 (VCV000303474.5), dbSNP rs79576369, ClinGen allele CA10638368.